The following is an entry in ClinVar:

NM_001035.3(RYR2):c.4756C>T (p.Leu1586Phe)

Gene: RYR2 (ryanodine receptor 2; plus strand). Cytogenetic location: 1q43.
Variant type: single nucleotide variant.
Coding change: c.4756C>T on transcript NM_001035.3 (MANE Select); coding-DNA position 4756, C replaced by T.
Protein change: p.Leu1586Phe; replaces leucine 1586 with phenylalanine.
Molecular consequence: missense variant.
Genome position (GRCh38, 1-based): chr1:237,610,834, C>T. VCF-style: chr1-237610834-C-T. GRCh37 (hg19) VCF-style: chr1-237774134-C-T.
Other names: short protein forms L1586F.
Identifiers: ClinVar variation 1001352 (VCV001001352.48), dbSNP rs1677771351, ClinGen allele CA345402415.
Genomic context (GRCh38, chr1:237,610,834, plus strand): 5'-CTCTCGGCGGGATTATTCAAGAGTGAGCACAAGAACCCCGTGCCGCAGTGCCCCCCGCGC[C>T]TCCACGTGCAGTTCCTGTCACACGTCCTGTGGAGCAGAATGCCCAACCAGTTTTTGAAGG-3'
Protein context (NP_001026.2, residues 1576-1596): KNPVPQCPPR[Leu1586Phe]HVQFLSHVLW

ClinVar aggregate classification (germline): Uncertain significance (1 of 4 stars; one submission).

Conditions:
Catecholaminergic polymorphic ventricular tachycardia 1. Also called: RYR2-Related Catecholaminergic Polymorphic Ventricular Tachycardia; VENTRICULAR TACHYCARDIA, CATECHOLAMINERGIC POLYMORPHIC, 1, WITH OR WITHOUT ATRIAL DYSFUNCTION AND/OR DILATED CARDIOMYOPATHY; VENTRICULAR TACHYCARDIA, STRESS-INDUCED POLYMORPHIC 1. Identifiers: Orphanet 3286, MedGen C1631597, MONDO:0011484, OMIM 604772.

Submission:

Labcorp Genetics (formerly Invitae), Labcorp
Classification: Uncertain significance for Catecholaminergic polymorphic ventricular tachycardia 1. Last evaluated: 2020-02-05. Review status: criteria provided, single submitter. Criteria: Invitae Variant Classification Sherloc (09022015). Collection method: clinical testing. Allele origin: germline.
Comment: In summary, the available evidence is currently insufficient to determine the role of this variant in disease. Therefore, it has been classified as a Variant of Uncertain Significance. Algorithms developed to predict the effect of missense changes on protein structure and function are either unavailable or do not agree on the potential impact of this missense change (SIFT: "Deleterious"; PolyPhen-2: "Probably Damaging"; Align-GVGD: "Class C15"). This variant has not been reported in the literature in individuals with RYR2-related conditions. This variant is not present in population databases (ExAC no frequency). This sequence change replaces leucine with phenylalanine at codon 1586 of the RYR2 protein (p.Leu1586Phe). The leucine residue is highly conserved and there is a small physicochemical difference between leucine and phenylalanine.